The following is an entry in ClinVar:

NM_014319.5(LEMD3):c.2493+1G>T

Gene: LEMD3 (LEM domain containing 3; plus strand). Cytogenetic location: 12q14.3.
Variant type: single nucleotide variant.
Coding change: c.2493+1G>T on transcript NM_014319.5 (MANE Select); the canonical splice donor site of the intron after coding-DNA position 2493, G replaced by T.
Molecular consequence: splice donor variant.
Genome position (GRCh38, 1-based): chr12:65,245,775, G>T. VCF-style: chr12-65245775-G-T. GRCh37 (hg19) VCF-style: chr12-65639555-G-T.
Other names: c.2490+1G>T (NM_001167614.2).
Identifiers: ClinVar variation 3645355 (VCV003645355.2).

ClinVar aggregate classification (germline): Likely pathogenic (1 of 4 stars; one submission).

Submission:

Labcorp Genetics (formerly Invitae), Labcorp
Classification: Likely pathogenic. Last evaluated: 2024-03-16. Review status: criteria provided, single submitter. Criteria: Invitae Variant Classification Sherloc (09022015). Collection method: clinical testing. Allele origin: germline.
Comment: This sequence change affects a donor splice site in intron 11 of the LEMD3 gene. It is expected to disrupt RNA splicing. Variants that disrupt the donor or acceptor splice site typically lead to a loss of protein function (PMID: 16199547), and loss-of-function variants in LEMD3 are known to be pathogenic (PMID: 15489854, 19438932). This variant is not present in population databases (gnomAD no frequency). This variant has not been reported in the literature in individuals affected with LEMD3-related conditions. Algorithms developed to predict the effect of sequence changes on RNA splicing suggest that this variant may disrupt the consensus splice site. In summary, the currently available evidence indicates that the variant is pathogenic, but additional data are needed to prove that conclusively. Therefore, this variant has been classified as Likely Pathogenic.

Literature cited by the submitters: PubMed 16199547; PubMed 15489854; PubMed 19438932.